The following is an entry in ClinVar:

NM_002838.5(PTPRC):c.756A>C (p.Leu252=)

Gene: PTPRC (protein tyrosine phosphatase receptor type C; plus strand). Cytogenetic location: 1q32.1.
Variant type: single nucleotide variant.
Coding change: c.756A>C on transcript NM_002838.5 (MANE Select); coding-DNA position 756, A replaced by C.
Protein change: p.Leu252=; no amino-acid change (leucine 252 retained).
Molecular consequence: synonymous variant.
Genome position (GRCh38, 1-based): chr1:198,706,804, A>C. VCF-style: chr1-198706804-A-C. GRCh37 (hg19) VCF-style: chr1-198675933-A-C.
Other names: c.273A>C, p.Leu91= (NM_080921.4).
Identifiers: ClinVar variation 384125 (VCV000384125.1), dbSNP rs1057521873, ClinGen allele CA16603468.

ClinVar aggregate classification (germline): Likely benign (1 of 4 stars; one submission).

Allele frequency attached by ClinVar (database versions not stated): TOPMed 0.00002.

Submission:

GeneDx
Classification: Likely benign. Last evaluated: 2016-02-24. Review status: criteria provided, single submitter. Criteria: GeneDx Variant Classification (06012015). Collection method: clinical testing. Allele origin: germline. Affected: yes.
Comment: This variant is considered likely benign or benign based on one or more of the following criteria: it is a conservative change, it occurs at a poorly conserved position in the protein, it is predicted to be benign by multiple in silico algorithms, and/or has population frequency not consistent with disease.